The following is an entry in ClinVar:

ClinVar aggregate classification (germline): Uncertain significance. Review status: criteria provided, multiple submitters, no conflicts (2 of 4 stars). 2 submissions from 2 submitters: Uncertain significance (2). Last evaluated 2024-01-23.

Conditions:
Inborn genetic diseases. Identifiers: MedGen C0950123, MeSH D030342.
DNA ligase IV deficiency. Identifiers: Orphanet 99812, MedGen C1847827, MONDO:0011686, OMIM 606593.

Allele frequency attached by ClinVar (database versions not stated): ExAC 0.00001; gnomAD exomes 0.00001 and 0.00002; TOPMed 0.00003; gnomAD 0.00004 and 0.00005.

Submissions (2):

Ambry Genetics
Classification: Uncertain significance for Inborn genetic diseases. Last evaluated: 2024-01-23. Review status: criteria provided, single submitter. Criteria: Ambry Variant Classification Scheme 2023. Collection method: clinical testing. Allele origin: germline.

Labcorp Genetics (formerly Invitae), Labcorp
Classification: Uncertain significance for DNA ligase IV deficiency. Last evaluated: 2022-08-16. Review status: criteria provided, single submitter. Criteria: Invitae Variant Classification Sherloc (09022015). Collection method: clinical testing. Allele origin: germline.
Comment: This sequence change replaces tyrosine, which is neutral and polar, with cysteine, which is neutral and slightly polar, at codon 616 of the LIG4 protein (p.Tyr616Cys). This variant is present in population databases (rs778875030, gnomAD 0.006%). This variant has not been reported in the literature in individuals affected with LIG4-related conditions. ClinVar contains an entry for this variant (Variation ID: 941446). Algorithms developed to predict the effect of missense changes on protein structure and function output the following: SIFT: "Tolerated"; PolyPhen-2: "Benign"; Align-GVGD: "Class C0". The cysteine amino acid residue is found in multiple mammalian species, which suggests that this missense change does not adversely affect protein function. In summary, the available evidence is currently insufficient to determine the role of this variant in disease. Therefore, it has been classified as a Variant of Uncertain Significance.

NM_206937.2(LIG4):c.1847A>G (p.Tyr616Cys)

Gene: LIG4 (DNA ligase 4; minus strand). Cytogenetic location: 13q33.3.
Variant type: single nucleotide variant.
Coding change: c.1847A>G on transcript NM_206937.2 (MANE Select); coding-DNA position 1847, A replaced by G.
Protein change: p.Tyr616Cys; replaces tyrosine 616 with cysteine.
Molecular consequence: missense variant.
Genome position (GRCh38, 1-based): chr13:108,209,422, T>C on the plus strand (A>G on the coding strand, the complement: LIG4 is on the minus strand). VCF-style: chr13-108209422-T-C. GRCh37 (hg19) VCF-style: chr13-108861770-T-C.
Other names: c.1847A>G, p.Tyr616Cys (NM_002312.3, NM_001098268.2, NM_001352598.2 and 6 more transcripts); c.1646A>G, p.Tyr549Cys (NM_001330595.2); c.1883A>G, p.Tyr628Cys (NM_001352604.2); short protein forms Y628C, Y549C, Y616C.
Identifiers: ClinVar variation 941446 (VCV000941446.7), dbSNP rs778875030, ClinGen allele CA7043604.